The following is an entry in ClinVar:

NM_001110556.2(FLNA):c.1722T>A (p.Cys574Ter)

Gene: FLNA (filamin A; minus strand). Cytogenetic location: Xq28.
Variant type: single nucleotide variant.
Coding change: c.1722T>A on transcript NM_001110556.2 (MANE Select); coding-DNA position 1722, T replaced by A.
Protein change: p.Cys574Ter; replaces cysteine 574 with a stop codon.
Molecular consequence: nonsense.
Genome position (GRCh38, 1-based): chrX:154,364,927, A>T on the plus strand (T>A on the coding strand, the complement: FLNA is on the minus strand). VCF-style: chrX-154364927-A-T. GRCh37 (hg19) VCF-style: chrX-153593295-A-T.
Other names: c.1722T>A, p.Cys574Ter (NM_001456.4); short protein forms C574*.
Identifiers: ClinVar variation 190183 (VCV000190183.3), dbSNP rs786205182, ClinGen allele CA274723.

ClinVar aggregate classification (germline): Likely pathogenic. Review status: criteria provided, multiple submitters, no conflicts (2 of 4 stars). 2 submissions from 2 submitters: Likely pathogenic (2). Last evaluated 2022-04-06.

Conditions:
Heterotopia, periventricular, X-linked dominant (PVNH1). Also called: PERIVENTRICULAR NODULAR HETEROTOPIA 4; HETEROTOPIA, PERIVENTRICULAR, 1; PERIVENTRICULAR NODULAR HETEROTOPIA 1; X-linked periventricular heterotopia. Identifiers: Orphanet 2149, Orphanet 82004, MedGen C1848213, MONDO:0010233, OMIM 300049.

Submissions (2):

GeneDx
Classification: Likely pathogenic. Last evaluated: 2022-04-06. Review status: criteria provided, single submitter. Criteria: GeneDx Variant Classification Process June 2021. Collection method: clinical testing. Allele origin: germline. Affected: yes.
Comment: Nonsense variant predicted to result in protein truncation or nonsense mediated decay in a gene for which loss of function is a known mechanism of disease; Not observed at significant frequency in large population cohorts (gnomAD); Has not been previously published as pathogenic or benign to our knowledge

Claritas Genomics
Classification: Likely pathogenic for periventricular nodular heterotopia. Last evaluated: 2011-12-12. Review status: criteria provided, single submitter. Criteria: ACMG Guidelines, 2007. Collection method: clinical testing. Allele origin: germline. Inheritance: X-linked inheritance.